The following is an entry in ClinVar:

NM_001081.4(CUBN):c.5957A>T (p.Asp1986Val)

Gene: CUBN (cubilin; minus strand). Cytogenetic location: 10p13.
Variant type: single nucleotide variant.
Coding change: c.5957A>T on transcript NM_001081.4 (MANE Select); coding-DNA position 5957, A replaced by T.
Protein change: p.Asp1986Val; replaces aspartic acid 1986 with valine.
Molecular consequence: missense variant.
Genome position (GRCh38, 1-based): chr10:16,933,254, T>A on the plus strand (A>T on the coding strand, the complement: CUBN is on the minus strand). VCF-style: chr10-16933254-T-A. GRCh37 (hg19) VCF-style: chr10-16975253-T-A.
Other names: c.5957A>T (NM_001081.3); short protein forms D1986V.
Identifiers: ClinVar variation 993928 (VCV000993928.14), dbSNP rs772570411, ClinGen allele CA5423845.

ClinVar aggregate classification (germline): Uncertain significance. Review status: criteria provided, multiple submitters, no conflicts (2 of 4 stars). 4 submissions from 4 submitters: Uncertain significance (4). Last evaluated 2025-04-14.

Conditions:
Inborn genetic diseases. Identifiers: MedGen C0950123, MeSH D030342.
Proteinuria, chronic benign. Identifiers: MedGen C5394384, MONDO:0030042, OMIM 618884.
Imerslund-Grasbeck syndrome type 1 (IGS1). Also called: Megaloblastic anemia 1, Finnish type; Imerslund-Gräsbeck syndrome 1; MEGALOBLASTIC ANEMIA, 1. Identifiers: MedGen C4016819, MONDO:0100156, OMIM 261100.
Imerslund-Grasbeck syndrome. Also called: Imerslund-Gräsbeck syndrome; ENTEROCYTE COBALAMIN MALABSORPTION; ENTEROCYTE INTRINSIC FACTOR RECEPTOR, DEFECT OF; PERNICIOUS ANEMIA, JUVENILE, DUE TO SELECTIVE INTESTINAL MALABSORPTION OF VITAMIN B12, WITH PROTEINURIA; Megaloblastic anemia due to inborn errors of metabolism. Identifiers: Orphanet 35858, MedGen C4551825, MONDO:0009853.

Allele frequency attached by ClinVar (database versions not stated): ExAC 0.00002; gnomAD 0.00003 and 0.00004; gnomAD exomes 0.00004 and 0.00007; TOPMed 0.00005.
gnomAD v4.1: 60 of 1,613,610 alleles (0.0037%); highest among the groups gnomAD compares: Non-Finnish European, 0.00051%; no homozygotes.

Submissions (4):

Labcorp Genetics (formerly Invitae), Labcorp
Classification: Uncertain significance for Imerslund-Grasbeck syndrome. Last evaluated: 2025-04-14. Review status: criteria provided, single submitter. Criteria: Invitae Variant Classification Sherloc (09022015). Collection method: clinical testing. Allele origin: germline.
Comment: This sequence change replaces aspartic acid, which is acidic and polar, with valine, which is neutral and non-polar, at codon 1986 of the CUBN protein (p.Asp1986Val). This variant is present in population databases (rs772570411, gnomAD 0.1%). This variant has not been reported in the literature in individuals affected with CUBN-related conditions. ClinVar contains an entry for this variant (Variation ID: 993928). Invitae Evidence Modeling of protein sequence and biophysical properties (such as structural, functional, and spatial information, amino acid conservation, physicochemical variation, residue mobility, and thermodynamic stability) indicates that this missense variant is not expected to disrupt CUBN protein function with a negative predictive value of 80%. In summary, the available evidence is currently insufficient to determine the role of this variant in disease. Therefore, it has been classified as a Variant of Uncertain Significance.

Fulgent Genetics
Classification: Uncertain significance for Imerslund-Grasbeck syndrome type 1; Proteinuria, chronic benign. Last evaluated: 2024-06-14. Review status: criteria provided, single submitter. Criteria: ACMG Guidelines, 2015. Collection method: clinical testing. Allele origin: germline.

Ambry Genetics
Classification: Uncertain significance for Inborn genetic diseases. Last evaluated: 2022-12-06. Review status: criteria provided, single submitter. Criteria: Ambry Variant Classification Scheme 2023. Collection method: clinical testing. Allele origin: germline.

ARUP Laboratories, Molecular Genetics and Genomics, ARUP Laboratories
Classification: Uncertain significance. Last evaluated: 2020-07-17. Review status: criteria provided, single submitter. Criteria: ARUP Molecular Germline Variant Investigation Process. Collection method: clinical testing. Allele origin: germline.
Comment: The CUBN c.5957A>T, p.Asp1986Val variant (rs772570411), to our knowledge, is not reported in the medical literature or gene specific databases. This variant is found in the Ashkenazi Jewish population with an allele frequency of 0.2% (16/10,068 alleles) in the Genome Aggregation Database. The aspartic acid at codon 1986 is highly conserved, and computational analyses (SIFT, PolyPhen-2) predict that this variant is deleterious. Due to limited information, the clinical significance of the p.Asp1986Val variant is uncertain at this time.